The following is an entry in ClinVar:

NM_007254.4(PNKP):c.999_1005dup (p.Phe336fs)

Gene: PNKP (polynucleotide kinase 3'-phosphatase; minus strand). Cytogenetic location: 19q13.33.
Variant type: Duplication.
Coding change: c.999_1005dup on transcript NM_007254.4 (MANE Select); coding-DNA positions 999 to 1005, 7 bases duplicated (AGCCGGC; older notation c.999_1005dupAGCCGGC).
Protein change: p.Phe336fs; shifts the reading frame from phenylalanine 336.
Molecular consequence: frameshift variant.
Genome position (GRCh38, 1-based): chr19:49,862,395-49,862,401, GCCGGCT duplicated on the plus strand (AGCCGGC on the coding strand, the reverse complement: PNKP is on the minus strand); duplicating any 7 consecutive bases within chr19:49,862,395-49,862,403 gives the same sequence; the c. name uses the placement nearest the transcript's 3' end. VCF-style (leftmost placement, unchanged base first): chr19-49862394-A-AGCCGGCT. GRCh37 (hg19) VCF-style: chr19-50365651-A-AGCCGGCT.
Other names: short protein forms F336fs.
Identifiers: ClinVar variation 1993622 (VCV001993622.5), dbSNP rs2514636093, ClinGen allele CA2580097685.
Genomic context (GRCh38, chr19:49,862,394, plus strand): 5'-TCCCATCCCCACCCCCACCCCCGCCCCAGGGCCTCACCGGATCAAAGGCTGGGAGCTCGA[A>AGCCGGCT]GCCGGCTGCTGGCCACTTGAGAAAGAACTCCTCAGGCGTGGCGAAGGGCAGGCCAAGGTT-3'

ClinVar aggregate classification (germline): Pathogenic/Likely pathogenic. Review status: criteria provided, multiple submitters, no conflicts (2 of 4 stars). 2 submissions from 2 submitters: Pathogenic (1); Likely pathogenic (1). Last evaluated 2025-01-29.

Conditions:
PNKP-related disorder. Also called: PNKP-related disorders; PNKP-related condition.
Developmental and epileptic encephalopathy, 12 (DEE12). Identifiers: MedGen C3150988, MONDO:0013389, OMIM 613722.

Submissions (2):

Greenwood Genetic Center Diagnostic Laboratories, Greenwood Genetic Center
Classification: Likely pathogenic for PNKP-related disorder. Last evaluated: 2025-01-29. Review status: criteria provided, single submitter. Criteria: ACMG Guidelines, 2015. Collection method: clinical testing. Allele origin: germline. Affected: yes.
Comment: PVS1, PM2

Labcorp Genetics (formerly Invitae), Labcorp
Classification: Pathogenic for Developmental and epileptic encephalopathy, 12. Last evaluated: 2022-11-15. Review status: criteria provided, single submitter. Criteria: Invitae Variant Classification Sherloc (09022015). Collection method: clinical testing. Allele origin: germline.
Comment: This sequence change creates a premature translational stop signal (p.Phe336Serfs*9) in the PNKP gene. It is expected to result in an absent or disrupted protein product. Loss-of-function variants in PNKP are known to be pathogenic (PMID: 20118933, 25728773). This variant is not present in population databases (gnomAD no frequency). This variant has not been reported in the literature in individuals affected with PNKP-related conditions. For these reasons, this variant has been classified as Pathogenic.

Literature cited by the submitters: PubMed 20118933 (cited by Labcorp Genetics (formerly Invitae), Labcorp); PubMed 25728773 (cited by Labcorp Genetics (formerly Invitae), Labcorp).